The following is an entry in ClinVar:

NM_182961.4(SYNE1):c.23658C>T (p.Ala7886=)

Gene: SYNE1 (spectrin repeat containing nuclear envelope protein 1; minus strand). Cytogenetic location: 6q25.2.
Variant type: single nucleotide variant.
Coding change: c.23658C>T on transcript NM_182961.4 (MANE Select); coding-DNA position 23658, C replaced by T.
Protein change: p.Ala7886=; no amino-acid change (alanine 7886 retained).
Molecular consequence: synonymous variant.
Genome position (GRCh38, 1-based): chr6:152,164,295, G>A on the plus strand (C>T on the coding strand, the complement: SYNE1 is on the minus strand). VCF-style: chr6-152164295-G-A. GRCh37 (hg19) VCF-style: chr6-152485430-G-A.
Other names: c.264C>T, p.Ala88= (NM_001347701.2); c.123C>T, p.Ala41= (NM_001347702.2); c.23445C>T, p.Ala7815= (NM_033071.5).
Identifiers: ClinVar variation 2201809 (VCV002201809.6), dbSNP rs376968103, ClinGen allele CA452749371.

ClinVar aggregate classification (germline): Likely benign. Review status: criteria provided, multiple submitters, no conflicts (2 of 4 stars). 2 submissions from 2 submitters: Likely benign (2). Last evaluated 2026-05-01.

Conditions:
Emery-Dreifuss muscular dystrophy 4, autosomal dominant (EDMD4). Also called: EMERY-DREIFUSS MUSCULAR DYSTROPHY 4 WITH VARIABLE FEATURES. Identifiers: Orphanet 261, MedGen C2751807, MONDO:0013071, OMIM 612998.
Autosomal recessive ataxia, Beauce type. Also called: SYNE1 Deficiency; Spinocerebellar ataxia, autosomal recessive 8; ATAXIA, RECESSIVE, OF BEAUCE; SYNE1-Related Autosomal Recessive Cerebellar Ataxia. Identifiers: Orphanet 88644, MedGen C1853116, MONDO:0012549, OMIM 610743.

gnomAD v4.1: 9 of 1,614,108 alleles (0.00056%); highest among the groups gnomAD compares: Middle Eastern, 0.017%; no homozygotes.

Submissions (2):

CeGaT Center for Human Genetics Tuebingen
Classification: Likely benign. Last evaluated: 2026-05-01. Review status: criteria provided, single submitter. Criteria: CeGaT Center For Human Genetics Tuebingen Variant Classification Criteria Version 2. Collection method: clinical testing. Allele origin: germline. Affected: yes. Observed: 1 variant allele.
Comment: SYNE1: BP4, BP7

Labcorp Genetics (formerly Invitae), Labcorp
Classification: Likely benign for Emery-Dreifuss muscular dystrophy 4, autosomal dominant; Autosomal recessive ataxia, Beauce type. Last evaluated: 2025-12-24. Review status: criteria provided, single submitter. Criteria: Invitae Variant Classification Sherloc (09022015). Collection method: clinical testing. Allele origin: germline.